The following is an entry in ClinVar:

NM_144670.6(A2ML1):c.1834-1G>T

Gene: A2ML1 (alpha-2-macroglobulin like 1; plus strand). Cytogenetic location: 12p13.31.
Variant type: single nucleotide variant.
Coding change: c.1834-1G>T on transcript NM_144670.6 (MANE Select); the canonical splice acceptor site of the intron before coding-DNA position 1834, G replaced by T.
Molecular consequence: splice acceptor variant.
Genome position (GRCh38, 1-based): chr12:8,848,719, G>T. VCF-style: chr12-8848719-G-T. GRCh37 (hg19) VCF-style: chr12-9001315-G-T.
Other names: c.361-1G>T (NM_001282424.3).
Identifiers: ClinVar variation 1177252 (VCV001177252.2), dbSNP rs1943786459, ClinGen allele CA383830012.

ClinVar aggregate classification (germline): Uncertain significance. Review status: criteria provided, multiple submitters, no conflicts (2 of 4 stars). 2 submissions from 2 submitters: Uncertain significance (2). Last evaluated 2022-10-17.

Conditions:
A2ML1-related disorder. Also called: A2ML1-related condition.

Allele frequency attached by ClinVar (database versions not stated): TOPMed below 0.00001.

Submissions (2):

PreventionGenetics, part of Exact Sciences
Classification: Uncertain significance for A2ML1-related condition. Last evaluated: 2022-10-17. Review status: criteria provided, single submitter. Criteria: ACMG Guidelines, 2015. Collection method: clinical testing. Allele origin: germline.
Comment: The A2ML1 c.1834-1G>T variant is predicted to disrupt the AG splice acceptor site and interfere with normal splicing. To our knowledge, this variant has not been reported in the literature or in a large population database, indicating this variant is rare. Although we suspect that this variant may be pathogenic, at this time, the clinical significance of this variant is uncertain due to the absence of conclusive functional and genetic evidence.

Women's Health and Genetics/Laboratory Corporation of America, LabCorp
Classification: Uncertain significance. Last evaluated: 2021-06-28. Review status: criteria provided, single submitter. Criteria: LabCorp Variant Classification Summary - May 2015. Collection method: clinical testing. Allele origin: germline.
Comment: Variant summary: A2ML1 c.1834-1G>T is located in a canonical splice-site and is predicted to affect mRNA splicing resulting in a significantly altered protein due to either exon skipping, shortening, or inclusion of intronic material. Several computational tools predict a significant impact on normal splicing: Four predict the variant abolishes a canonical 3' acceptor site. However, these predictions have yet to be confirmed by functional studies. The variant was absent in 239004 control chromosomes. The available data on variant occurrences in the general population are insufficient to allow any conclusion about variant significance. To our knowledge, no occurrence of c.1834-1G>T in individuals affected with Noonan Syndrome and no experimental evidence demonstrating its impact on protein function have been reported. Furthermore, the validity of this gene relating to a RASopathy phenotype is disputed (ClinGen, 2018). No clinical diagnostic laboratories have submitted clinical-significance assessments for this variant to ClinVar after 2014. Based on the evidence outlined above, the variant was classified as uncertain significance.